The following is an entry in ClinVar:

ClinVar aggregate classification (germline): Uncertain significance. Review status: criteria provided, multiple submitters, no conflicts (2 of 4 stars). 4 submissions from 4 submitters: Uncertain significance (3). 1 of the submissions does not count toward it. Last evaluated 2026-04-07.

Conditions:
Zellweger spectrum disorders (ZS). Also called: Zellweger Spectrum Disorder; Zellweger Spectrum; Zellweger syndrome; Zellweger Spectrum Disorder (ZSD). Identifiers: Orphanet 912, MedGen C0043459, MONDO:0019609.
Inborn genetic diseases. Identifiers: MedGen C0950123, MeSH D030342.
Peroxisome biogenesis disorder. Identifiers: Orphanet 79189, MedGen C1832200, MONDO:0019234. Disease mechanism: loss of function.
PEX6-related disorder. Also called: PEX6-related disorders; PEX6-related condition.

Allele frequency attached by ClinVar (database versions not stated): gnomAD 0.00001; TOPMed 0.00003; ESP Exome Variant Server 0.00008.
gnomAD v4.1: 3 of 1,614,036 alleles (0.00019%); highest among the groups gnomAD compares: African/African-American, 0.0013%; no homozygotes.

Submissions (4):

PreventionGenetics, part of Exact Sciences
Classification: Uncertain significance for PEX6-related condition. Last evaluated: 2026-04-07. Review status: criteria provided, single submitter. Criteria: ACMG Guidelines, 2015. Collection method: clinical testing. Allele origin: germline.
Comment: The PEX6 c.2142G>T variant is predicted to result in the amino acid substitution p.Lys714Asn. To our knowledge, this variant has not been reported in the literature. This variant is reported in 0.0062% of alleles in individuals of African descent in gnomAD. At this time, the clinical significance of this variant is uncertain due to the absence of conclusive functional and genetic evidence.

Ambry Genetics
Classification: Uncertain significance for Inborn genetic diseases. Last evaluated: 2024-11-14. Review status: criteria provided, single submitter. Criteria: Ambry Variant Classification Scheme 2023. Collection method: clinical testing. Allele origin: germline.

Labcorp Genetics (formerly Invitae), Labcorp
Classification: Uncertain significance for Peroxisome biogenesis disorder. Last evaluated: 2022-07-17. Review status: criteria provided, single submitter. Criteria: Invitae Variant Classification Sherloc (09022015). Collection method: clinical testing. Allele origin: germline.
Comment: This sequence change replaces lysine, which is basic and polar, with asparagine, which is neutral and polar, at codon 714 of the PEX6 protein (p.Lys714Asn). This variant is present in population databases (rs371619603, gnomAD 0.007%). This variant has not been reported in the literature in individuals affected with PEX6-related conditions. ClinVar contains an entry for this variant (Variation ID: 1057910). Algorithms developed to predict the effect of missense changes on protein structure and function (SIFT, PolyPhen-2, Align-GVGD) all suggest that this variant is likely to be disruptive. Algorithms developed to predict the effect of sequence changes on RNA splicing suggest that this variant may disrupt the consensus splice site. In summary, the available evidence is currently insufficient to determine the role of this variant in disease. Therefore, it has been classified as a Variant of Uncertain Significance.

Natera, Inc.
Classification: Uncertain significance for Zellweger syndrome. Last evaluated: 2021-02-02. Review status: no assertion criteria provided. Collection method: clinical testing. Allele origin: germline. Not counted in ClinVar's aggregate classification.

NM_000287.4(PEX6):c.2142G>T (p.Lys714Asn)

Gene: PEX6 (peroxisomal biogenesis factor 6; minus strand). Cytogenetic location: 6p21.1.
Variant type: single nucleotide variant.
Coding change: c.2142G>T on transcript NM_000287.4 (MANE Select); coding-DNA position 2142, G replaced by T.
Protein change: p.Lys714Asn; replaces lysine 714 with asparagine.
Molecular consequence: missense variant.
Genome position (GRCh38, 1-based): chr6:42,966,400, C>A on the plus strand (G>T on the coding strand, the complement: PEX6 is on the minus strand). VCF-style: chr6-42966400-C-A. GRCh37 (hg19) VCF-style: chr6-42934138-C-A.
Other names: c.2142G>T (NM_000287.3); c.1878G>T, p.Lys626Asn (NM_001316313.2); short protein forms K626N, K714N.
Identifiers: ClinVar variation 1057910 (VCV001057910.5), dbSNP rs371619603, ClinGen allele CA3811109.